The following is an entry in ClinVar:

ClinVar aggregate classification (germline): Uncertain significance (1 of 4 stars; one submission).

Conditions:
DEPDC5-related disorder. Also called: DEPDC5-related condition; DEPDC5-related related disorder.

gnomAD v4.1: 1 of 1,614,154 alleles (0.000062%); highest among the groups gnomAD compares: Non-Finnish European, 0.000085%; no homozygotes.

Submission:

PreventionGenetics, part of Exact Sciences
Classification: Uncertain significance for DEPDC5-related condition. Last evaluated: 2026-09-09. Review status: criteria provided, single submitter. Criteria: ACMG Guidelines, 2015. Collection method: clinical testing. Allele origin: germline.
Comment: The DEPDC5 c.1435A>G variant is predicted to result in the amino acid substitution p.Thr479Ala. To our knowledge, this variant has not been reported in the literature or in a large population database (gnomAD), indicating this variant is rare. At this time, the clinical significance of this variant is uncertain due to the absence of conclusive functional and genetic evidence.

NM_001242896.3(DEPDC5):c.1435A>G (p.Thr479Ala)

Gene: DEPDC5 (DEP domain containing 5, GATOR1 subcomplex subunit; plus strand). Cytogenetic location: 22q12.3.
Variant type: single nucleotide variant.
Coding change: c.1435A>G on transcript NM_001242896.3 (MANE Select); coding-DNA position 1435, A replaced by G.
Protein change: p.Thr479Ala; replaces threonine 479 with alanine.
Molecular consequence: missense variant. On other transcripts: non-coding transcript variant (5).
Genome position (GRCh38, 1-based): chr22:31,810,631, A>G. VCF-style: chr22-31810631-A-G. GRCh37 (hg19) VCF-style: chr22-32206617-A-G.
Other names: c.1435A>G, p.Thr479Ala (NM_001007188.4, NM_001136029.4, NM_001242897.2 and 7 more transcripts); c.1351A>G, p.Thr451Ala (NM_001369901.1, NM_001369902.1); short protein forms T451A, T479A.
Identifiers: ClinVar variation 4987454 (VCV004987454.1).